The following is an entry in ClinVar:

ClinVar aggregate classification (germline): Uncertain significance (1 of 4 stars; one submission).

Allele frequency attached by ClinVar (database versions not stated): gnomAD exomes below 0.00001.
gnomAD v4.1: 1 of 1,565,358 alleles (0.000064%); highest among the groups gnomAD compares: Non-Finnish European, 0.000087%; no homozygotes.

Submission:

Women's Health and Genetics/Laboratory Corporation of America, LabCorp
Classification: Uncertain significance. Last evaluated: 2022-10-12. Review status: criteria provided, single submitter. Criteria: LabCorp Variant Classification Summary - May 2015. Collection method: clinical testing. Allele origin: germline.
Comment: Variant summary: TRIP12 c.1019A>G (p.Lys340Arg) results in a conservative amino acid change in the encoded protein sequence. Three of five in-silico tools predict a benign effect of the variant on protein function. The variant was absent in 238622 control chromosomes. The available data on variant occurrences in the general population are insufficient to allow any conclusion about variant significance. To our knowledge, no occurrence of c.1019A>G in individuals affected with Clark-Baraitser Syndrome and no experimental evidence demonstrating its impact on protein function have been reported. No clinical diagnostic laboratories have submitted clinical-significance assessments for this variant to ClinVar after 2014. Based on the evidence outlined above, the variant was classified as uncertain significance.

NM_001348323.3(TRIP12):c.1019A>G (p.Lys340Arg)

Gene: TRIP12 (thyroid hormone receptor interactor 12; minus strand). Cytogenetic location: 2q36.3.
Variant type: single nucleotide variant.
Coding change: c.1019A>G on transcript NM_001348323.3 (MANE Select); coding-DNA position 1019, A replaced by G.
Protein change: p.Lys340Arg; replaces lysine 340 with arginine.
Molecular consequence: missense variant. On other transcripts: intron variant (1).
Genome position (GRCh38, 1-based): chr2:229,858,780, T>C on the plus strand (A>G on the coding strand, the complement: TRIP12 is on the minus strand). VCF-style: chr2-229858780-T-C. GRCh37 (hg19) VCF-style: chr2-230723496-T-C.
Other names: c.1019A>G, p.Lys340Arg (NM_001284214.2, NM_001348315.2, NM_001348319.1 and 13 more transcripts); c.893A>G, p.Lys298Arg (NM_001284215.2, NM_001348316.2, NM_001348317.1 and 3 more transcripts); c.932A>G, p.Lys311Arg (NM_001348332.1, NM_001348334.1); c.98+21202A>G (NM_001284216.2); short protein forms K298R, K311R, K340R.
Identifiers: ClinVar variation 1723296 (VCV001723296.1), dbSNP rs2475890210, ClinGen allele CA350893371.
Genomic context (GRCh38, chr2:229,858,780, plus strand): 5'-AACCAAGAGAAACTTTCTTTAATTAAAGAAAAATACCTTTTTGTAAACTTACTTGCTAAT[T>C]TGGCCTGTAATCCAGAAGGTCCAGGTTTTGATGTCTCTGACTTAGAAGACCCTGGAAGAG-3'
Protein context (NP_001335252.1, residues 330-350): SKPGPSGLQA[Lys340Arg]LASLRKSTKK